The following is an entry in ClinVar:

ClinVar aggregate classification (germline): Uncertain significance (1 of 4 stars; one submission).

Submission:

Labcorp Genetics (formerly Invitae), Labcorp
Classification: Uncertain significance. Last evaluated: 2025-04-11. Review status: criteria provided, single submitter. Criteria: Invitae Variant Classification Sherloc (09022015). Collection method: clinical testing. Allele origin: germline.
Comment: This sequence change replaces glutamine, which is neutral and polar, with histidine, which is basic and polar, at codon 48 of the COL8A2 protein (p.Gln48His). This variant is present in population databases (rs769421242, gnomAD 0.02%). This variant has not been reported in the literature in individuals affected with COL8A2-related conditions. An algorithm developed to predict the effect of missense changes on protein structure and function outputs the following: PolyPhen-2: "Not Available". The histidine amino acid residue is found in multiple mammalian species, which suggests that this missense change does not adversely affect protein function. In summary, the available evidence is currently insufficient to determine the role of this variant in disease. Therefore, it has been classified as a Variant of Uncertain Significance.

NM_005202.4(COL8A2):c.144G>C (p.Gln48His)

Genes: COL8A2 (collagen type VIII alpha 2 chain; minus strand), LOC129930125 (ATAC-STARR-seq lymphoblastoid silent region 654; plus strand). Cytogenetic location: 1p34.3.
Variant type: single nucleotide variant.
Coding change: c.144G>C on transcript NM_005202.4 (MANE Select); coding-DNA position 144, G replaced by C.
Protein change: p.Gln48His; replaces glutamine 48 with histidine.
Molecular consequence: missense variant. On other transcripts: intron variant (1).
Genome position (GRCh38, 1-based): chr1:36,100,099, C>G on the plus strand (G>C on the coding strand, the complement: COL8A2 is on the minus strand). VCF-style: chr1-36100099-C-G. GRCh37 (hg19) VCF-style: chr1-36565700-C-G.
Other names: c.-3+96G>C (NM_001294347.2); short protein forms Q48H.
Identifiers: ClinVar variation 4711447 (VCV004711447.1).
Genomic context (GRCh38, chr1:36,100,099, plus strand): 5'-GAGGCTCTCACCCAGGTACTGGCCTTTGCCCTCACGGAAGGGCGGTCCCACAGGTCCTTT[C>G]TGCATGGGCTGGATGTACTTCACTGGGGCATAGCCCGCCGCCCCACCGGCCCCGCCACCA-3'
Protein context (NP_005193.1, residues 38-58): YAPVKYIQPM[Gln48His]KGPVGPPFRE